The following is an entry in ClinVar:

NM_015164.4(PLEKHM2):c.1677C>T (p.Ser559=)

Gene: PLEKHM2 (pleckstrin homology and RUN domain containing M2; plus strand). Cytogenetic location: 1p36.21.
Variant type: single nucleotide variant.
Coding change: c.1677C>T on transcript NM_015164.4 (MANE Select); coding-DNA position 1677, C replaced by T.
Protein change: p.Ser559=; no amino-acid change (serine 559 retained).
Molecular consequence: synonymous variant.
Genome position (GRCh38, 1-based): chr1:15,727,749, C>T. VCF-style: chr1-15727749-C-T. GRCh37 (hg19) VCF-style: chr1-16054244-C-T.
Identifiers: ClinVar variation 478071 (VCV000478071.15), dbSNP rs200036096, ClinGen allele CA616973.

ClinVar aggregate classification (germline): Likely benign. Review status: criteria provided, multiple submitters, no conflicts (2 of 4 stars). 3 submissions from 3 submitters: Likely benign (2). 1 of the submissions does not count toward it. Last evaluated 2025-12-29.

Conditions:
PLEKHM2-related disorder. Also called: PLEKHM2-related condition.

Allele frequency attached by ClinVar (database versions not stated): 1000 Genomes Project 30x 0.00016; 1000 Genomes Project 0.00020; gnomAD exomes 0.00028 and 0.00070; gnomAD 0.00034; TOPMed 0.00035; ExAC 0.00056; ESP Exome Variant Server 0.00088.
gnomAD v4.1: 1,062 of 1,603,614 alleles (0.066%); highest among the groups gnomAD compares: Non-Finnish European, 0.086%; 1 homozygote.

Submissions (3):

Labcorp Genetics (formerly Invitae), Labcorp
Classification: Likely benign. Last evaluated: 2025-12-29. Review status: criteria provided, single submitter. Criteria: Invitae Variant Classification Sherloc (09022015). Collection method: clinical testing. Allele origin: germline.

Blueprint Genetics
Classification: Likely benign. Last evaluated: 2024-11-14. Review status: criteria provided, single submitter. Criteria: ACMG Guidelines, 2015. Collection method: clinical testing. Allele origin: germline.

PreventionGenetics, part of Exact Sciences
Classification: Likely benign for PLEKHM2-related condition. Last evaluated: 2021-05-04. Review status: no assertion criteria provided. Collection method: clinical testing. Allele origin: germline. Not counted in ClinVar's aggregate classification.
Comment: This variant is classified as likely benign based on ACMG/AMP sequence variant interpretation guidelines (Richards et al. 2015 PMID: 25741868, with internal and published modifications).